The following is an entry in ClinVar:

ClinVar aggregate classification (germline): Likely benign (1 of 4 stars; one submission).

Allele frequency attached by ClinVar (database versions not stated): gnomAD exomes below 0.00001; gnomAD 0.00001.
gnomAD v4.1: 2 of 1,191,004 alleles (0.00017%); highest among the groups gnomAD compares: Non-Finnish European, 0.00022%; no homozygotes.

Submission:

CeGaT Center for Human Genetics Tuebingen
Classification: Likely benign. Last evaluated: 2022-04-01. Review status: criteria provided, single submitter. Criteria: CeGaT Center For Human Genetics Tuebingen Variant Classification Criteria Version 2. Collection method: clinical testing. Allele origin: germline. Affected: yes. Observed: 1 variant allele.
Comment: ARHGAP6: BP4, BP7

NM_013427.3(ARHGAP6):c.634A>C (p.Arg212=)

Gene: ARHGAP6 (Rho GTPase activating protein 6; minus strand). Cytogenetic location: Xp22.2.
Variant type: single nucleotide variant.
Coding change: c.634A>C on transcript NM_013427.3 (MANE Select); coding-DNA position 634, A replaced by C.
Protein change: p.Arg212=; no amino-acid change (arginine 212 retained).
Molecular consequence: synonymous variant. On other transcripts: non-coding transcript variant (1).
Genome position (GRCh38, 1-based): chrX:11,254,662, T>G on the plus strand (A>C on the coding strand, the complement: ARHGAP6 is on the minus strand). VCF-style: chrX-11254662-T-G. GRCh37 (hg19) VCF-style: chrX-11272782-T-G.
Other names: c.94A>C, p.Arg32= (NM_001287242.2); c.634A>C, p.Arg212= (NM_006125.3); c.25A>C, p.Arg9= (NM_013423.3).
Identifiers: ClinVar variation 2659986 (VCV002659986.24), dbSNP rs1490202272, ClinGen allele CA515494225.